The following is an entry in ClinVar:

NM_177438.3(DICER1):c.3214G>A (p.Ala1072Thr)

Gene: DICER1 (dicer 1, ribonuclease III; minus strand). Cytogenetic location: 14q32.13.
Variant type: single nucleotide variant.
Coding change: c.3214G>A on transcript NM_177438.3 (MANE Select); coding-DNA position 3214, G replaced by A.
Protein change: p.Ala1072Thr; replaces alanine 1072 with threonine.
Molecular consequence: missense variant. On other transcripts: non-coding transcript variant (6).
Genome position (GRCh38, 1-based): chr14:95,105,126, C>T on the plus strand (G>A on the coding strand, the complement: DICER1 is on the minus strand). VCF-style: chr14-95105126-C-T. GRCh37 (hg19) VCF-style: chr14-95571463-C-T.
Other names: c.3214G>A, p.Ala1072Thr (NM_001195573.1, NM_001395695.1, NM_030621.4 and 12 more transcripts); c.2809G>A, p.Ala937Thr (NM_001395696.1, NM_001395687.1, NM_001395688.1 and 2 more transcripts); c.1531G>A, p.Ala511Thr (NM_001395697.1); c.2932G>A, p.Ala978Thr (NM_001395686.1); c.2647G>A, p.Ala883Thr (NM_001395691.1); short protein forms A883T, A1072T, A937T, A511T, A978T.
Identifiers: ClinVar variation 3272039 (VCV003272039.1).

ClinVar aggregate classification (germline): Uncertain significance (1 of 4 stars; one submission).

Conditions:
Hereditary cancer-predisposing syndrome. Also called: Tumor predisposition; Hereditary Cancer Syndrome; Hereditary neoplastic syndrome; Neoplastic Syndromes, Hereditary. Identifiers: Orphanet 140162, MedGen C0027672, MeSH D009386, MONDO:0015356.

Submission:

Ambry Genetics
Classification: Uncertain significance for Hereditary cancer-predisposing syndrome. Last evaluated: 2024-05-31. Review status: criteria provided, single submitter. Criteria: Ambry Variant Classification Scheme 2023. Collection method: clinical testing. Allele origin: germline.
Comment: The p.A1072T variant (also known as c.3214G>A), located in coding exon 19 of the DICER1 gene, results from a G to A substitution at nucleotide position 3214. The alanine at codon 1072 is replaced by threonine, an amino acid with similar properties. This amino acid position is conserved. In addition, this alteration is predicted to be tolerated by in silico analysis. Based on the available evidence, the clinical significance of this variant remains unclear.